The following is an entry in ClinVar:

NM_001846.4(COL4A2):c.*25T>C

Gene: COL4A2 (collagen type IV alpha 2 chain; plus strand). Cytogenetic location: 13q34.
Variant type: single nucleotide variant.
Coding change: c.*25T>C on transcript NM_001846.4 (MANE Select); 25 bases downstream of the stop codon, T replaced by C.
Molecular consequence: 3 prime UTR variant.
Genome position (GRCh38, 1-based): chr13:110,512,216, T>C. VCF-style: chr13-110512216-T-C. GRCh37 (hg19) VCF-style: chr13-111164563-T-C.
Identifiers: ClinVar variation 311199 (VCV000311199.8), dbSNP rs113331483, ClinGen allele CA7050789.

ClinVar aggregate classification (germline): Benign/Likely benign. Review status: criteria provided, multiple submitters, no conflicts (2 of 4 stars). 2 submissions from 2 submitters: Benign (1); Likely benign (1). Last evaluated 2018-07-15.

Conditions:
Brain small vessel disease 2A, autosomal dominant. Also called: Porencephaly 2. Identifiers: Orphanet 2940, Orphanet 99810, MedGen C3280970, MONDO:0013773, OMIM 614483.

Allele frequency attached by ClinVar (database versions not stated): gnomAD exomes 0.00095 and 0.00245; ExAC 0.00322; 1000 Genomes Project 0.00879; 1000 Genomes Project 30x 0.00937; gnomAD 0.00995 and 0.01072; ESP Exome Variant Server 0.01067; TOPMed 0.01138.
gnomAD v4.1: 2,933 of 1,599,146 alleles (0.18%); highest among the groups gnomAD compares: African/African-American, 3.6%; 48 homozygotes.

Submissions (2):

GeneDx
Classification: Likely benign. Last evaluated: 2018-07-15. Review status: criteria provided, single submitter. Criteria: GeneDx Variant Classification Process June 2021. Collection method: clinical testing. Allele origin: germline. Affected: yes.

Illumina Laboratory Services, Illumina
Classification: Benign for Brain small vessel disease 2A, autosomal dominant. Last evaluated: 2018-01-13. Review status: criteria provided, single submitter. Criteria: ICSL Variant Classification Criteria 13 December 2019. Collection method: clinical testing. Allele origin: germline.
Comment: This variant was observed in the ICSL laboratory as part of a predisposition screen in an ostensibly healthy population. It had not been previously curated by ICSL or reported in the Human Gene Mutation Database (HGMD: prior to June 1st, 2018), and was therefore a candidate for classification through an automated scoring system. Utilizing variant allele frequency, disease prevalence and penetrance estimates, and inheritance mode, an automated score was calculated to assess if this variant is too frequent to cause the disease. Based on the score and internal cut-off values, a variant classified as benign is not then subjected to further curation. The score for this variant resulted in a classification of benign for this disease.